The following is an entry in ClinVar:

NM_001379200.1(TBX1):c.85A>G (p.Ser29Gly)

Gene: TBX1 (T-box transcription factor 1; plus strand). Cytogenetic location: 22q11.21.
Variant type: single nucleotide variant.
Coding change: c.85A>G on transcript NM_001379200.1 (MANE Select); coding-DNA position 85, A replaced by G.
Protein change: p.Ser29Gly; replaces serine 29 with glycine.
Molecular consequence: missense variant.
Genome position (GRCh38, 1-based): chr22:19,760,928, A>G. VCF-style: chr22-19760928-A-G. GRCh37 (hg19) VCF-style: chr22-19748451-A-G.
Other names: c.58A>G, p.Ser20Gly (NM_005992.1, NM_080646.2, NM_080647.1); short protein forms S29G, S20G.
Identifiers: ClinVar variation 1750373 (VCV001750373.3), dbSNP rs2517841336, ClinGen allele CA410681122.

ClinVar aggregate classification (germline): Uncertain significance (1 of 4 stars; one submission).

Conditions:
Cardiovascular phenotype. Identifiers: MedGen CN230736.

Submission:

Ambry Genetics
Classification: Uncertain significance for Cardiovascular phenotype. Last evaluated: 2024-10-22. Review status: criteria provided, single submitter. Criteria: Ambry Variant Classification Scheme 2023. Collection method: clinical testing. Allele origin: germline.
Comment: The p.S20G variant (also known as c.58A>G), located in coding exon 2 of the TBX1 gene, results from an A to G substitution at nucleotide position 58. The serine at codon 20 is replaced by glycine, an amino acid with similar properties. This amino acid position is conserved. In addition, this alteration is predicted to be tolerated by in silico analysis. Since supporting evidence is limited at this time, the clinical significance of this alteration remains unclear.